The following is an entry in ClinVar:

ClinVar aggregate classification (germline): Pathogenic. Review status: criteria provided, multiple submitters, no conflicts (2 of 4 stars). 4 submissions from 4 submitters: Pathogenic (4). Last evaluated 2025-06-11.

Conditions:
Familial cancer of breast. Also called: BREAST CANCER, FAMILIAL; hereditary breast carcinoma; Hereditary breast cancer. Identifiers: Orphanet 227535, MedGen C0346153, MONDO:0016419, OMIM 114480. Disease mechanism: loss of function.
Hereditary cancer-predisposing syndrome. Also called: Neoplastic Syndromes, Hereditary; Tumor predisposition; Hereditary Cancer Syndrome; Hereditary neoplastic syndrome. Identifiers: Orphanet 140162, MedGen C0027672, MeSH D009386, MONDO:0015356.

Submissions (4):

Labcorp Genetics (formerly Invitae), Labcorp
Classification: Pathogenic for Familial cancer of breast. Last evaluated: 2025-06-11. Review status: criteria provided, single submitter. Criteria: Invitae Variant Classification Sherloc (09022015). Collection method: clinical testing. Allele origin: germline.
Comment: This sequence change creates a premature translational stop signal (p.Gln433*) in the CHEK2 gene. It is expected to result in an absent or disrupted protein product. Loss-of-function variants in CHEK2 are known to be pathogenic (PMID: 21876083, 24713400). This variant is not present in population databases (gnomAD no frequency). This premature translational stop signal has been observed in individual(s) with cervical adenocarcinoma (PMID: 26556299). ClinVar contains an entry for this variant (Variation ID: 460796). Algorithms developed to predict the effect of sequence changes on RNA splicing suggest that this variant may disrupt the consensus splice site. For these reasons, this variant has been classified as Pathogenic.

Ambry Genetics
Classification: Pathogenic for Hereditary cancer-predisposing syndrome. Last evaluated: 2025-04-28. Review status: criteria provided, single submitter. Criteria: Ambry Variant Classification Scheme 2023. Collection method: clinical testing. Allele origin: germline.
Comment: The p.Q433* pathogenic mutation (also known as c.1297C>T), located in coding exon 11 of the CHEK2 gene, results from a C to T substitution at nucleotide position 1297. This changes the amino acid from a glutamine to a stop codon within coding exon 11. This alteration is expected to result in loss of function by premature protein truncation or nonsense-mediated mRNA decay. As such, this alteration is interpreted as a disease-causing mutation.

Myriad Genetics, Inc.
Classification: Pathogenic for Familial cancer of breast. Last evaluated: 2023-06-28. Review status: criteria provided, single submitter. Criteria: Myriad Autosomal Dominant, Autosomal Recessive and X-Linked Classification Criteria (2023). Collection method: clinical testing. Allele origin: unknown.
Comment: This variant is considered pathogenic. This variant creates a termination codon and is predicted to result in premature protein truncation.

Baylor Genetics
Classification: Pathogenic for Familial cancer of breast. Last evaluated: 2023-02-16. Review status: criteria provided, single submitter. Criteria: ACMG Guidelines, 2015. Collection method: clinical testing. Allele origin: unknown.

Literature cited by the submitters: PubMed 21876083 (cited by Labcorp Genetics (formerly Invitae), Labcorp); PubMed 24713400 (cited by Labcorp Genetics (formerly Invitae), Labcorp); PubMed 26556299 (cited by Labcorp Genetics (formerly Invitae), Labcorp).

NM_007194.4(CHEK2):c.1297C>T (p.Gln433Ter)

Gene: CHEK2 (checkpoint kinase 2; minus strand). Cytogenetic location: 22q12.1.
Variant type: single nucleotide variant.
Coding change: c.1297C>T on transcript NM_007194.4 (MANE Select); coding-DNA position 1297, C replaced by T.
Protein change: p.Gln433Ter; replaces glutamine 433 with a stop codon.
Molecular consequence: nonsense.
Genome position (GRCh38, 1-based): chr22:28,695,205, G>A on the plus strand (C>T on the coding strand, the complement: CHEK2 is on the minus strand). VCF-style: chr22-28695205-G-A. GRCh37 (hg19) VCF-style: chr22-29091193-G-A.
Other names: c.1426C>T, p.Gln476Ter (NM_001005735.3); c.634C>T, p.Gln212Ter (NM_001257387.3); c.1096C>T, p.Gln366Ter (NM_001349956.3); c.1210C>T, p.Gln404Ter (NM_145862.3); short protein forms Q433*, Q212*, Q366*, Q404*, Q476*.
Identifiers: ClinVar variation 460796 (VCV000460796.15), dbSNP rs1555913494, ClinGen allele CA411096112.
Genomic context (GRCh38, chr22:28,695,205, plus strand): 5'-CCCAGACTTCAGGAATGAAGTTGTATTTTCCACTGGTGATCTGATCCTTCAGTGACACTT[G>A]AGTCCTATGCTCAGAGAAAGGTGGATACCCACTAAGGCTTAATATTGGTAGAGAGAGAAA-3'